The following is an entry in ClinVar:

ClinVar aggregate classification (germline): Uncertain significance. Review status: criteria provided, multiple submitters, no conflicts (2 of 4 stars). 2 submissions from 2 submitters: Uncertain significance (2). Last evaluated 2024-12-16.

Conditions:
Cardiovascular phenotype. Identifiers: MedGen CN230736.

gnomAD v4.1: 5 of 1,612,176 alleles (0.00031%); highest among the groups gnomAD compares: Middle Eastern, 0.017%; no homozygotes.

Submissions (2):

Ambry Genetics
Classification: Uncertain significance for Cardiovascular phenotype. Last evaluated: 2024-12-16. Review status: criteria provided, single submitter. Criteria: Ambry Variant Classification Scheme 2023. Collection method: clinical testing. Allele origin: germline.

Women's Health and Genetics/Laboratory Corporation of America, LabCorp
Classification: Uncertain significance. Last evaluated: 2022-04-05. Review status: criteria provided, single submitter. Criteria: LabCorp Variant Classification Summary - May 2015. Collection method: clinical testing. Allele origin: germline.
Comment: Variant summary: TNXB c.7783G>C (p.Glu2595Gln) results in a conservative amino acid change located in the Fibronectin type III domain of the encoded protein sequence. Five of five in-silico tools predict a benign effect of the variant on protein function. The variant was absent in 245886 control chromosomes. The available data on variant occurrences in the general population are insufficient to allow any conclusion about variant significance. To our knowledge, no occurrence of c.7783G>C in individuals affected with Ehlers-Danlos Syndrome, Classic-Like, 1 and no experimental evidence demonstrating its impact on protein function have been reported. No clinical diagnostic laboratories have submitted clinical-significance assessments for this variant to ClinVar after 2014. Based on the evidence outlined above, the variant was classified as uncertain significance.

NM_001365276.2(TNXB):c.7783G>C (p.Glu2595Gln)

Gene: TNXB (tenascin XB; minus strand). Cytogenetic location: 6p21.33.
Variant type: single nucleotide variant.
Coding change: c.7783G>C on transcript NM_001365276.2 (MANE Select); coding-DNA position 7783, G replaced by C.
Protein change: p.Glu2595Gln; replaces glutamic acid 2595 with glutamine.
Molecular consequence: missense variant.
Genome position (GRCh38, 1-based): chr6:32,058,100, C>G on the plus strand (G>C on the coding strand, the complement: TNXB is on the minus strand). VCF-style: chr6-32058100-C-G. GRCh37 (hg19) VCF-style: chr6-32025877-C-G.
Other names: c.7783G>C, p.Glu2595Gln (NM_019105.8); short protein forms E2595Q.
Identifiers: ClinVar variation 1683366 (VCV001683366.2), dbSNP rs374803743, ClinGen allele CA363550885.